The following is an entry in ClinVar:

NM_002474.3(MYH11):c.4404G>A (p.Ala1468=)

Genes: NDE1 (nudE neurodevelopment protein 1; plus strand), MYH11 (myosin heavy chain 11; minus strand). Cytogenetic location: 16p13.11.
Variant type: single nucleotide variant.
Coding change: c.4404G>A on transcript NM_002474.3 (MANE Select); coding-DNA position 4404, G replaced by A.
Protein change: p.Ala1468=; no amino-acid change (alanine 1468 retained).
Molecular consequence: synonymous variant. On other transcripts: intron variant (2).
Genome position (GRCh38, 1-based): chr16:15,721,596, C>T on the plus strand (G>A on the coding strand, the complement: MYH11 is on the minus strand). VCF-style: chr16-15721596-C-T. GRCh37 (hg19) VCF-style: chr16-15815453-C-T.
Other names: c.4425G>A, p.Ala1475= (NM_001040113.2, NM_001040114.2); c.4404G>A, p.Ala1468= (NM_022844.3); c.948-2595C>T (NM_001143979.2, NM_017668.3).
Identifiers: ClinVar variation 1740350 (VCV001740350.7), dbSNP rs1011581295, ClinGen allele CA278602760.
Genomic context (GRCh38, chr16:15,721,596, plus strand): 5'-CAGGGACAGGGCCTTGGTTTCCTTCTCCCTGGCTTCTGCCTCAGCTCTGTCCCTCTCATC[C>T]GCGTATTTGGAAGAGATGTTTTTCTCCTCGGCTAACAACTACAACACAAGACCCAGAGGT-3'
Protein context (NP_002465.1, residues 1458-1478): AEEKNISSKY[Ala1468=]DERDRAEAEA

ClinVar aggregate classification (germline): Conflicting classifications of pathogenicity. Review status: criteria provided, conflicting classifications (1 of 4 stars). 4 submissions from 4 submitters: Uncertain significance (3); Likely benign (1). Last evaluated 2025-08-07.

Conditions:
Aortic aneurysm, familial thoracic 4 (AAT4). Also called: AORTIC ANEURYSM/AORTIC DISSECTION AND PATENT DUCTUS ARTERIOSUS. Identifiers: MedGen C1851504, MONDO:0007568, OMIM 132900.
Familial thoracic aortic aneurysm and aortic dissection (TAAD). Also called: Thoracic aortic aneurysms and dissections. Identifiers: Orphanet 91387, MedGen C4707243, MONDO:0019625.

Allele frequency attached by ClinVar (database versions not stated): gnomAD 0.00001; gnomAD exomes 0.00001; TOPMed 0.00001.
gnomAD v4.1: 12 of 1,614,046 alleles (0.00074%); highest among the groups gnomAD compares: South Asian, 0.0044%; no homozygotes.

Submissions (4):

Color Diagnostics, LLC DBA Color Health
Classification: Uncertain significance for Familial thoracic aortic aneurysm and aortic dissection. Last evaluated: 2025-08-07. Review status: criteria provided, single submitter. Criteria: ACMG Guidelines, 2015. Collection method: clinical testing. Allele origin: germline.
Comment: This variant is located in the MYH11 protein. To our knowledge, functional studies have not been reported for this variant. This variant has not been reported in individuals affected with MYH11-related disorders in the literature. This variant has not been identified in the general population by the Genome Aggregation Database (gnomAD). The available evidence is insufficient to determine the role of this variant in disease conclusively. Therefore, this variant is classified as a Variant of Uncertain Significance.

GeneDx
Classification: Uncertain significance. Last evaluated: 2024-03-06. Review status: criteria provided, single submitter. Criteria: GeneDx Variant Classification Process June 2021. Collection method: clinical testing. Allele origin: germline. Affected: yes.
Comment: Has not been previously published as pathogenic or benign to our knowledge; Not observed at significant frequency in large population cohorts (gnomAD); In silico analysis suggests this variant may impact gene splicing. In the absence of RNA/functional studies, the actual effect of this sequence change is unknown.; This variant is associated with the following publications: (PMID: 29263223, 37954829)

Labcorp Genetics (formerly Invitae), Labcorp
Classification: Uncertain significance for Aortic aneurysm, familial thoracic 4. Last evaluated: 2023-07-19. Review status: criteria provided, single submitter. Criteria: Invitae Variant Classification Sherloc (09022015). Collection method: clinical testing. Allele origin: germline.
Comment: In summary, the available evidence is currently insufficient to determine the role of this variant in disease. Therefore, it has been classified as a Variant of Uncertain Significance. Algorithms developed to predict the effect of sequence changes on RNA splicing suggest that this variant may create or strengthen a splice site. ClinVar contains an entry for this variant (Variation ID: 1740350). This variant has not been reported in the literature in individuals affected with MYH11-related conditions. This variant is not present in population databases (gnomAD no frequency). This sequence change affects codon 1475 of the MYH11 mRNA. It is a 'silent' change, meaning that it does not change the encoded amino acid sequence of the MYH11 protein.

Ambry Genetics
Classification: Likely benign for Familial thoracic aortic aneurysm and aortic dissection. Last evaluated: 2021-10-12. Review status: criteria provided, single submitter. Criteria: Ambry Variant Classification Scheme 2023. Collection method: clinical testing. Allele origin: germline.